The following is an entry in ClinVar:

ClinVar aggregate classification (germline): Uncertain significance (1 of 4 stars; one submission).

gnomAD v4.1: 8 of 1,612,146 alleles (0.0005%); highest among the groups gnomAD compares: Non-Finnish European, 0.00059%; no homozygotes.

Submission:

CeGaT Center for Human Genetics Tuebingen
Classification: Uncertain significance. Last evaluated: 2023-06-01. Review status: criteria provided, single submitter. Criteria: CeGaT Center For Human Genetics Tuebingen Variant Classification Criteria Version 2. Collection method: clinical testing. Allele origin: germline. Affected: yes. Observed: 1 variant allele.
Comment: RBPJ: PM2, PP2

NM_015874.6(RBPJ):c.188T>C (p.Met63Thr)

Gene: RBPJ (recombination signal binding protein for immunoglobulin kappa J region; plus strand). Cytogenetic location: 4p15.2.
Variant type: single nucleotide variant.
Coding change: c.188T>C on transcript NM_015874.6 (MANE Select); coding-DNA position 188, T replaced by C.
Protein change: p.Met63Thr; replaces methionine 63 with threonine.
Molecular consequence: missense variant.
Genome position (GRCh38, 1-based): chr4:26,415,507, T>C. VCF-style: chr4-26415507-T-C. GRCh37 (hg19) VCF-style: chr4-26417129-T-C.
Other names: c.122T>C, p.Met41Thr (NM_001363577.2, NM_203283.5); c.227T>C, p.Met76Thr (NM_001374400.1, NM_001379408.1, NM_005349.4); c.185T>C, p.Met62Thr (NM_001374401.1, NM_001374402.1, NM_001374403.1 and 3 more transcripts); c.182T>C, p.Met61Thr (NM_001379409.1); short protein forms M41T, M61T, M62T, M63T, M76T.
Identifiers: ClinVar variation 2654703 (VCV002654703.24), dbSNP rs771216421, ClinGen allele CA94391293.